The following is an entry in ClinVar:

ClinVar aggregate classification (germline): Pathogenic (1 of 4 stars; one submission).

Submission:

Labcorp Genetics (formerly Invitae), Labcorp
Classification: Pathogenic. Last evaluated: 2023-11-20. Review status: criteria provided, single submitter. Criteria: Invitae Variant Classification Sherloc (09022015). Collection method: clinical testing. Allele origin: germline.
Comment: This sequence change creates a premature translational stop signal (p.Ala93Leufs*15) in the NDUFAF5 gene. It is expected to result in an absent or disrupted protein product. Loss-of-function variants in NDUFAF5 are known to be pathogenic (PMID: 26275793, 30473481, 32918965). This variant is not present in population databases (gnomAD no frequency). This variant has not been reported in the literature in individuals affected with NDUFAF5-related conditions. For these reasons, this variant has been classified as Pathogenic.

Literature cited by the submitters: PubMed 26275793; PubMed 30473481; PubMed 32918965.

NM_024120.5(NDUFAF5):c.274del (p.Ala93fs)

Gene: NDUFAF5 (NADH:ubiquinone oxidoreductase complex assembly factor 5; plus strand). Cytogenetic location: 20p12.1.
Variant type: Deletion.
Coding change: c.274del on transcript NM_024120.5 (MANE Select); coding-DNA position 274, one base deleted (C; older notation c.274delC).
Protein change: p.Ala93fs; shifts the reading frame from alanine 93.
Molecular consequence: frameshift variant. On other transcripts: 5 prime UTR variant (3), non-coding transcript variant (7).
Genome position (GRCh38, 1-based): chr20:13,788,599, C deleted; the last of 5 consecutive C bases (chr20:13,788,595-13,788,599); deleting any one gives the same sequence. VCF-style (leftmost placement, unchanged base first): chr20-13788594-TC-T. GRCh37 (hg19) VCF-style: chr20-13769240-TC-T.
Other names: c.274del, p.Ala93fs (NM_001039375.3, NM_001352408.2); c.-94del (NM_001352403.2); c.-308del (NM_001352406.2); c.-288del (NM_001352407.2); short protein forms A93fs.
Identifiers: ClinVar variation 2982531 (VCV002982531.3), dbSNP rs2516117976, ClinGen allele CA2577340253.